The following is an entry in ClinVar:

ClinVar aggregate classification (germline): Likely pathogenic (1 of 4 stars; one submission).

Conditions:
Tay-Sachs disease (TSD). Also called: HEXA DEFICIENCY; HEXA Disorders; GM2 gangliosidosis, type 1; Hexosaminidase alpha-subunit deficiency (variant B); Sphingolipidosis, Tay-Sachs; Hexosaminidase A Deficiency. Identifiers: Orphanet 845, MedGen C0039373, MONDO:0010100, OMIM 272800.

Submission:

Labcorp Genetics (formerly Invitae), Labcorp
Classification: Likely pathogenic for Tay-Sachs disease. Last evaluated: 2022-04-10. Review status: criteria provided, single submitter. Criteria: Invitae Variant Classification Sherloc (09022015). Collection method: clinical testing. Allele origin: germline.
Comment: This variant results in a copy number gain of the genomic region encompassing exon(s) 8-10 of the HEXA gene. While the exact position of this variant cannot be determined from the data, sub-genic copy number gains are generally in tandem (PMID: 25640679). This variant is predicted to be out-of-frame, and may result in an absent or disrupted protein product. Loss-of-function variants in HEXA are known to be pathogenic (PMID: 1833974, 8490625). This variant has not been reported in the literature in individuals affected with HEXA-related conditions. In summary, the currently available evidence indicates that the variant is pathogenic, but additional data are needed to prove that conclusively. Therefore, this variant has been classified as Likely Pathogenic.

Literature cited by the submitters: PubMed 25640679; PubMed 1833974; PubMed 8490625.

NC_000015.9:g.(?_72640007)_(72641620_?)dup

Gene: HEXA (hexosaminidase subunit alpha; minus strand). Cytogenetic location: 15q23.
Variant type: Duplication.
Identifiers: ClinVar variation 2423194 (VCV002423194.4).